The following is an entry in ClinVar:

ClinVar aggregate classification (germline): Uncertain significance (1 of 4 stars; one submission).

Conditions:
Epileptic encephalopathy. Identifiers: MedGen C0543888, HP:0200134.

Allele frequency attached by ClinVar (database versions not stated): gnomAD 0.00004; gnomAD exomes 0.00007; ExAC 0.00010; 1000 Genomes Project 30x 0.00031.
gnomAD v4.1: 69 of 1,609,046 alleles (0.0043%); highest among the groups gnomAD compares: South Asian, 0.072%; no homozygotes.

Submission:

Labcorp Genetics (formerly Invitae), Labcorp
Classification: Uncertain significance for Epileptic encephalopathy. Last evaluated: 2024-02-16. Review status: criteria provided, single submitter. Criteria: Invitae Variant Classification Sherloc (09022015). Collection method: clinical testing. Allele origin: germline.
Comment: This sequence change replaces alanine, which is neutral and non-polar, with serine, which is neutral and polar, at codon 765 of the FASN protein (p.Ala765Ser). This variant is present in population databases (rs774938033, gnomAD 0.06%), and has an allele count higher than expected for a pathogenic variant. This variant has not been reported in the literature in individuals affected with FASN-related conditions. ClinVar contains an entry for this variant (Variation ID: 1381498). An algorithm developed to predict the effect of missense changes on protein structure and function (PolyPhen-2) suggests that this variant is likely to be disruptive. In summary, the available evidence is currently insufficient to determine the role of this variant in disease. Therefore, it has been classified as a Variant of Uncertain Significance.

NM_004104.5(FASN):c.2293G>T (p.Ala765Ser)

Gene: FASN (fatty acid synthase; minus strand). Cytogenetic location: 17q25.3.
Variant type: single nucleotide variant.
Coding change: c.2293G>T on transcript NM_004104.5 (MANE Select); coding-DNA position 2293, G replaced by T.
Protein change: p.Ala765Ser; replaces alanine 765 with serine.
Molecular consequence: missense variant.
Genome position (GRCh38, 1-based): chr17:82,088,980, C>A on the plus strand (G>T on the coding strand, the complement: FASN is on the minus strand). VCF-style: chr17-82088980-C-A. GRCh37 (hg19) VCF-style: chr17-80046856-C-A.
Other names: short protein forms A765S.
Identifiers: ClinVar variation 1381498 (VCV001381498.8), dbSNP rs774938033, ClinGen allele CA8852853.
Genomic context (GRCh38, chr17:82,088,980, plus strand): 5'-GGCGCCCATCCCAGGCTCCCGGCGCCTGCTGCCCCCAGGCTGGGCCTACCTGCAGCAGGG[C>A]GTGGGGCGCGATCTCCAGCACCACCGCGTGCTCAGGCACGTGCCACAGGGCCTCCTGGAA-3'
Protein context (NP_004095.4, residues 755-775): HAVVLEIAPH[Ala765Ser]LLQAVLKRGL